The following is an entry in ClinVar:

ClinVar aggregate classification (germline): Conflicting classifications of pathogenicity. Review status: criteria provided, conflicting classifications (1 of 4 stars). 4 submissions from 4 submitters: Likely pathogenic (2); Uncertain significance (1). 1 of the submissions does not count toward it. Last evaluated 2022-07-20.

Conditions:
Cardiovascular phenotype. Identifiers: MedGen CN230736.
Familial long QT syndrome (RWS). Also called: Congenital long QT syndrome; Romano-Ward syndrome; VENTRICULAR FIBRILLATION WITH PROLONGED QT INTERVAL. Identifiers: Orphanet 768, MedGen C1141890, MONDO:0019171.
Long QT syndrome (LQTS). Identifiers: MedGen C0023976, MeSH D008133, MONDO:0002442. Disease mechanism: loss of function. Inheritance: Various modes of inheritance.

Submissions (4):

Ambry Genetics
Classification: Likely pathogenic for Cardiovascular phenotype. Last evaluated: 2022-07-20. Review status: criteria provided, single submitter. Criteria: Ambry Variant Classification Scheme 2023. Collection method: clinical testing. Allele origin: germline.
Comment: The p.Y427S variant (also known as c.1280A>C), located in coding exon 6 of the KCNH2 gene, results from an A to C substitution at nucleotide position 1280. The tyrosine at codon 427 is replaced by serine, an amino acid with dissimilar properties. This alteration is located in the S1/S2 transmembrane domain of HERG and has been detected in individuals with long QT syndrome (Kapa S et al. Circulation. 2009;120:1752-1760; Walsh R et al. Genet Med, 2021 01;23:47-58). This amino acid position is highly conserved in available vertebrate species. In addition, this alteration is predicted to be deleterious by in silico analysis. Based on the majority of available evidence to date, this variant is likely to be pathogenic.

Labcorp Genetics (formerly Invitae), Labcorp
Classification: Uncertain significance for Long QT syndrome. Last evaluated: 2021-10-03. Review status: criteria provided, single submitter. Criteria: Invitae Variant Classification Sherloc (09022015). Collection method: clinical testing. Allele origin: germline.
Comment: This sequence change replaces tyrosine with serine at codon 427 of the KCNH2 protein (p.Tyr427Ser). The tyrosine residue is highly conserved and there is a large physicochemical difference between tyrosine and serine. This variant is not present in population databases (ExAC no frequency). This missense change has been observed in individual(s) with possible long QT syndrome (PMID: 15840476, 22949429). ClinVar contains an entry for this variant (Variation ID: 67178). Algorithms developed to predict the effect of missense changes on protein structure and function (SIFT, PolyPhen-2, Align-GVGD) all suggest that this variant is likely to be disruptive. In summary, the available evidence is currently insufficient to determine the role of this variant in disease. Therefore, it has been classified as a Variant of Uncertain Significance.

Women's Health and Genetics/Laboratory Corporation of America, LabCorp
Classification: Likely pathogenic for Cardiovascular phenotype. Last evaluated: 2016-11-07. Review status: criteria provided, single submitter. Criteria: LabCorp Variant Classification Summary - May 2015. Collection method: clinical testing. Allele origin: germline.
Comment: Variant summary: The KCNH2 c.1280A>C (p.Tyr427Ser) variant involves the alteration of a highly conserved nucleotide and is located in the ion transport domain at S1-S4 transmembrane region (InterPro, Itoh_2016). 5/5 in silico tools predict a damaging outcome for this variant. This variant is absent in 125938 control chromosomes, including the large and broad populations from ExAC. This variant has been reported as a pathogenic variant in literature found in at least two LQTS families; and in one family, the variant was found to be paternally inherited (Tester_2005, Kapa_2009, Giudicessi_2012, Itoh_2010, Itoh_2016). Other missense variants such as p.Tyr427His (PMIDs: 16414944, 16922724, and 22581653) and p.Tyr427Cys (PMIDs: 19716085 and 22581653) have also been reported in this codon, indicating that the codon is in a mutational hot-spot. One clinical diagnostic laboratory has classified this variant as likely pathogenic. Taken together, this variant is classified as Likely Pathogenic.

Cardiovascular Biomedical Research Unit, Royal Brompton & Harefield NHS Foundation Trust
No classification provided. Condition: Familial long QT syndrome. Review status: no classification provided. Collection method: literature only. Allele origin: germline. Not counted in ClinVar's aggregate classification.
Comment: This variant has been reported as associated with Long QT syndrome in the following publications (PMID:15840476;PMID:19841300). This is a literature report, and does not necessarily reflect the clinical interpretation of the Imperial College / Royal Brompton Cardiovascular Genetics laboratory.

Literature cited by the submitters: PubMed 32893267 (cited by Ambry Genetics); PubMed 15840476 (cited by 3 submitters); PubMed 22949429 (cited by Labcorp Genetics (formerly Invitae), Labcorp and Women's Health and Genetics/Laboratory Corporation of America, LabCorp); PubMed 19841300 (cited by Women's Health and Genetics/Laboratory Corporation of America, LabCorp and Cardiovascular Biomedical Research Unit, Royal Brompton & Harefield NHS Foundation Trust); PubMed 22581653 (cited by Cardiovascular Biomedical Research Unit, Royal Brompton & Harefield NHS Foundation Trust).

NM_000238.4(KCNH2):c.1280A>C (p.Tyr427Ser)

Gene: KCNH2 (potassium voltage-gated channel subfamily H member 2; minus strand). Cytogenetic location: 7q36.1.
Variant type: single nucleotide variant.
Coding change: c.1280A>C on transcript NM_000238.4 (MANE Select); coding-DNA position 1280, A replaced by C.
Protein change: p.Tyr427Ser; replaces tyrosine 427 with serine.
Molecular consequence: missense variant.
Genome position (GRCh38, 1-based): chr7:150,952,702, T>G on the plus strand (A>C on the coding strand, the complement: KCNH2 is on the minus strand). VCF-style: chr7-150952702-T-G. GRCh37 (hg19) VCF-style: chr7-150649790-T-G.
Other names: c.1280A>C (LRG_288t1); c.260A>C, p.Tyr87Ser (NM_001204798.2, NM_172057.3); c.992A>C, p.Tyr331Ser (NM_001406753.1, NM_001406756.1); c.1103A>C, p.Tyr368Ser (NM_001406755.1); c.980A>C, p.Tyr327Ser (NM_001406757.1); c.1280A>C, p.Tyr427Ser (NM_172056.3); short protein forms Y427S, Y87S, Y331S, Y327S, Y368S.
Identifiers: ClinVar variation 67178 (VCV000067178.11), dbSNP rs199472897, ClinGen allele CA004385.